The following is an entry in ClinVar:

NM_006231.4(POLE):c.4753dup (p.Ile1585fs)

Gene: POLE (DNA polymerase epsilon, catalytic subunit; minus strand). Cytogenetic location: 12q24.33.
Variant type: Duplication.
Coding change: c.4753dup on transcript NM_006231.4 (MANE Select); coding-DNA position 4753, one base duplicated (A; older notation c.4753dupA).
Protein change: p.Ile1585fs; shifts the reading frame from isoleucine 1585.
Molecular consequence: frameshift variant.
Genome position (GRCh38, 1-based): chr12:132,642,705, T duplicated on the plus strand (A on the coding strand, the reverse complement: POLE is on the minus strand). VCF-style (leftmost placement, unchanged base first): chr12-132642704-A-AT. GRCh37 (hg19) VCF-style: chr12-133219290-A-AT.
Other names: short protein forms I1585fs.
Identifiers: ClinVar variation 3640665 (VCV003640665.2).
Genomic context (GRCh38, chr12:132,642,704, plus strand): 5'-TCCTCCAAGACAGGAATTTCACTGGCCAGCCTCTTCAGCTCCCAGCTGGACTGAACAGCG[A>AT]TGAGTGTGGGCCCCCGGCGCTCCTCCTGGGTCAAGGCAAAATGGAAGAAAAGACCTGGGT-3'

ClinVar aggregate classification (germline): Pathogenic (1 of 4 stars; one submission).

Submission:

Labcorp Genetics (formerly Invitae), Labcorp
Classification: Pathogenic. Last evaluated: 2024-02-23. Review status: criteria provided, single submitter. Criteria: Invitae Variant Classification Sherloc (09022015). Collection method: clinical testing. Allele origin: germline.
Comment: This sequence change creates a premature translational stop signal (p.Ile1585Asnfs*15) in the POLE gene. It is expected to result in an absent or disrupted protein product. Loss-of-function variants in POLE are known to be pathogenic (PMID: 23230001, 25948378, 30503519). This variant is not present in population databases (gnomAD no frequency). This variant has not been reported in the literature in individuals affected with POLE-related conditions. For these reasons, this variant has been classified as Pathogenic.

Literature cited by the submitters: PubMed 23230001; PubMed 25948378; PubMed 30503519.